The following is an entry in ClinVar:

ClinVar aggregate classification (germline): Likely pathogenic. Review status: criteria provided, single submitter (1 of 4 stars). 2 submissions from 2 submitters: Likely pathogenic (1). 1 of the submissions does not count toward it. Last evaluated 2024-10-04.

Conditions:
Autosomal recessive congenital ichthyosis 9 (ARCI9). Identifiers: Orphanet 79394, MedGen C3554349, MONDO:0014010, OMIM 615023.
Ichthyosis. Also called: Ichthyosis (disease). Identifiers: Orphanet 79354, MedGen C0020757, MONDO:0019269, HP:0008064.

Allele frequency attached by ClinVar (database versions not stated): gnomAD exomes below 0.00001.

Submissions (2):

Dubai Health Genomic Medicine Center, Dubai Health
Classification: Likely pathogenic for Ichthyosis. Last evaluated: 2024-10-04. Review status: criteria provided, single submitter. Criteria: ACMG Guidelines, 2015. Collection method: research. Allele origin: germline. Affected: yes.
Comment: PVS1,PM2

OMIM
Classification: Pathogenic for ICHTHYOSIS, CONGENITAL, AUTOSOMAL RECESSIVE 9. Last evaluated: 2013-06-01. Review status: no assertion criteria provided. Collection method: literature only. Allele origin: germline. Not counted in ClinVar's aggregate classification.

Literature cited by the submitters: PubMed 23754960 (cited by OMIM).

NM_001378789.1(CERS3):c.609+1G>T

Gene: CERS3 (ceramide synthase 3; minus strand). Cytogenetic location: 15q26.3.
Variant type: single nucleotide variant.
Coding change: c.609+1G>T on transcript NM_001378789.1 (MANE Select); the canonical splice donor site of the intron after coding-DNA position 609, G replaced by T.
Molecular consequence: splice donor variant.
Genome position (GRCh38, 1-based): chr15:100,476,085, C>A on the plus strand (G>T on the coding strand, the complement: CERS3 is on the minus strand). VCF-style: chr15-100476085-C-A. GRCh37 (hg19) VCF-style: chr15-101016290-C-A.
Other names: IVS9DS, G-T, +1; c.609+1G>T (NM_178842.5, NM_001290343.2, NM_001290342.2); c.642+1G>T (NM_001290341.2).
Identifiers: ClinVar variation 55838 (VCV000055838.2), dbSNP rs587776996, ClinGen allele CA214693.
Genomic context (GRCh38, chr15:100,476,085, plus strand): 5'-GGCAGGGAGATGGCAATTTTTGAAGAAATTGATAAAGAAGCTTTGTAAATAAGACACTTA[C>A]CTTTCTCTTGACATCAAAGCCAAGTCTAAATAACAGAGACCAATAAAAACTCATTTCTAA-3'